The following is an entry in ClinVar:

ClinVar aggregate classification (germline): Likely benign (1 of 4 stars; one submission).

Submission:

CeGaT Center for Human Genetics Tuebingen
Classification: Likely benign. Last evaluated: 2025-04-01. Review status: criteria provided, single submitter. Criteria: CeGaT Center For Human Genetics Tuebingen Variant Classification Criteria Version 2. Collection method: clinical testing. Allele origin: germline. Affected: yes. Observed: 1 variant allele.
Comment: KIR2DS4: BP4, BP7

NM_001281972.2(KIR2DS4):c.642+3213A>G

Gene: KIR2DS4 (killer cell immunoglobulin like receptor, two Ig domains and short cytoplasmic tail 4 (gene/pseudogene)). Cytogenetic location: 19q13.42.
Variant type: single nucleotide variant.
Coding change: c.642+3213A>G on transcript NM_001281972.2; 3213 bases into the intron after coding-DNA position 642, A replaced by G.
Molecular consequence: intron variant. On other transcripts: synonymous variant (1).
Genome position (GRCh38, 1-based): chr19:54,842,912, A>G. VCF-style: chr19-54842912-A-G. GRCh37 (hg19) VCF-style: chr19-55354367-A-G.
Other names: c.687A>G, p.Pro229= (NM_001281971.2).
Identifiers: ClinVar variation 3898260 (VCV003898260.7).